The following is an entry in ClinVar:

ClinVar aggregate classification (germline): Conflicting classifications of pathogenicity. Review status: criteria provided, conflicting classifications (1 of 4 stars). 3 submissions from 3 submitters: Uncertain significance (2); Likely benign (1). Last evaluated 2024-08-29.

Allele frequency attached by ClinVar (database versions not stated): gnomAD 0.00001; ExAC 0.00002; gnomAD exomes 0.00002; TOPMed 0.00002.
gnomAD v4.1: 32 of 1,614,128 alleles (0.002%); highest among the groups gnomAD compares: East Asian, 0.0067%; no homozygotes.

Submissions (3):

Labcorp Genetics (formerly Invitae), Labcorp
Classification: Uncertain significance. Last evaluated: 2024-08-29. Review status: criteria provided, single submitter. Criteria: Invitae Variant Classification Sherloc (09022015). Collection method: clinical testing. Allele origin: germline.
Comment: This sequence change replaces alanine, which is neutral and non-polar, with threonine, which is neutral and polar, at codon 224 of the BACH2 protein (p.Ala224Thr). This variant is present in population databases (rs768281648, gnomAD 0.01%). This variant has not been reported in the literature in individuals affected with BACH2-related conditions. ClinVar contains an entry for this variant (Variation ID: 1488894). Invitae Evidence Modeling of protein sequence and biophysical properties (such as structural, functional, and spatial information, amino acid conservation, physicochemical variation, residue mobility, and thermodynamic stability) indicates that this missense variant is not expected to disrupt BACH2 protein function with a negative predictive value of 80%. In summary, the available evidence is currently insufficient to determine the role of this variant in disease. Therefore, it has been classified as a Variant of Uncertain Significance.

CeGaT Center for Human Genetics Tuebingen
Classification: Likely benign. Last evaluated: 2024-05-01. Review status: criteria provided, single submitter. Criteria: CeGaT Center For Human Genetics Tuebingen Variant Classification Criteria Version 2. Collection method: clinical testing. Allele origin: germline. Affected: yes. Observed: 1 variant allele.
Comment: BACH2: BP4

Ambry Genetics
Classification: Uncertain significance. Last evaluated: 2022-06-06. Review status: criteria provided, single submitter. Criteria: Ambry Variant Classification Scheme 2023. Collection method: clinical testing. Allele origin: germline.

NM_021813.4(BACH2):c.670G>A (p.Ala224Thr)

Gene: BACH2 (BACH transcriptional regulator 2; minus strand). Cytogenetic location: 6q15.
Variant type: single nucleotide variant.
Coding change: c.670G>A on transcript NM_021813.4 (MANE Select); coding-DNA position 670, G replaced by A.
Protein change: p.Ala224Thr; replaces alanine 224 with threonine.
Molecular consequence: missense variant.
Genome position (GRCh38, 1-based): chr6:89,951,436, C>T on the plus strand (G>A on the coding strand, the complement: BACH2 is on the minus strand). VCF-style: chr6-89951436-C-T. GRCh37 (hg19) VCF-style: chr6-90661155-C-T.
Other names: c.670G>A, p.Ala224Thr (NM_001170794.2); c.670G>A (NM_021813.2); short protein forms A224T.
Identifiers: ClinVar variation 1488894 (VCV001488894.26), dbSNP rs768281648, ClinGen allele CA3928131.
Genomic context (GRCh38, chr6:89,951,436, plus strand): 5'-TATAGACATTCTTGGTACATGCAAGCTGGTATTTCTTGTATCTGGGGTACTGCGTTAACG[C>T]GTCCTTTTCTGAGCTCTCCTTGGTGTCTGTGGGCACGTCAGGCTCGGGCAGCAGGGCTTC-3'
Protein context (NP_068585.1, residues 214-234): TDTKESSEKD[Ala224Thr]LTQYPRYKKY